The following is an entry in ClinVar:

NM_000135.4(FANCA):c.3673C>T (p.Leu1225Phe)

Gene: FANCA (FA complementation group A; minus strand). Cytogenetic location: 16q24.3.
Variant type: single nucleotide variant.
Coding change: c.3673C>T on transcript NM_000135.4 (MANE Select); coding-DNA position 3673, C replaced by T.
Protein change: p.Leu1225Phe; replaces leucine 1225 with phenylalanine.
Molecular consequence: missense variant.
Genome position (GRCh38, 1-based): chr16:89,742,892, G>A on the plus strand (C>T on the coding strand, the complement: FANCA is on the minus strand). VCF-style: chr16-89742892-G-A. GRCh37 (hg19) VCF-style: chr16-89809300-G-A.
Other names: c.3673C>T, p.Leu1225Phe (NM_001286167.3); short protein forms L1225F.
Identifiers: ClinVar variation 3512642 (VCV003512642.1).

ClinVar aggregate classification (germline): Uncertain significance (1 of 4 stars; one submission).

Conditions:
Inborn genetic diseases. Identifiers: MedGen C0950123, MeSH D030342.

Submission:

Ambry Genetics
Classification: Uncertain significance for Inborn genetic diseases. Last evaluated: 2024-11-21. Review status: criteria provided, single submitter. Criteria: Ambry Variant Classification Scheme 2023. Collection method: clinical testing. Allele origin: germline.
Comment: The p.L1225F variant (also known as c.3673C>T), located in coding exon 37 of the FANCA gene, results from a C to T substitution at nucleotide position 3673. The leucine at codon 1225 is replaced by phenylalanine, an amino acid with highly similar properties. This amino acid position is conserved. In addition, this alteration is predicted to be tolerated by in silico analysis. Based on the available evidence, the clinical significance of this variant remains unclear.